The following is an entry in ClinVar:

ClinVar aggregate classification (germline): Uncertain significance (1 of 4 stars; one submission).

Conditions:
MHC class I deficiency. Identifiers: Orphanet 34592, MedGen C6024714, MONDO:0011476.

Allele frequency attached by ClinVar (database versions not stated): gnomAD exomes 0.00001.
gnomAD v4.1: 7 of 1,602,188 alleles (0.00044%); highest among the groups gnomAD compares: East Asian, 0.016%; no homozygotes.

Submission:

Labcorp Genetics (formerly Invitae), Labcorp
Classification: Uncertain significance for MHC class I deficiency 1. Last evaluated: 2023-12-15. Review status: criteria provided, single submitter. Criteria: Invitae Variant Classification Sherloc (09022015). Collection method: clinical testing. Allele origin: germline.
Comment: This sequence change replaces glycine, which is neutral and non-polar, with aspartic acid, which is acidic and polar, at codon 198 of the TAPBP protein (p.Gly198Asp). This variant is not present in population databases (gnomAD no frequency). This variant has not been reported in the literature in individuals affected with TAPBP-related conditions. An algorithm developed to predict the effect of missense changes on protein structure and function (PolyPhen-2) suggests that this variant is likely to be disruptive. In summary, the available evidence is currently insufficient to determine the role of this variant in disease. Therefore, it has been classified as a Variant of Uncertain Significance.

NM_003190.5(TAPBP):c.593G>A (p.Gly198Asp)

Gene: TAPBP (TAP binding protein; minus strand). Cytogenetic location: 6p21.32.
Variant type: single nucleotide variant.
Coding change: c.593G>A on transcript NM_003190.5 (MANE Select); coding-DNA position 593, G replaced by A.
Protein change: p.Gly198Asp; replaces glycine 198 with aspartic acid.
Molecular consequence: missense variant.
Genome position (GRCh38, 1-based): chr6:33,305,264, C>T on the plus strand (G>A on the coding strand, the complement: TAPBP is on the minus strand). VCF-style: chr6-33305264-C-T. GRCh37 (hg19) VCF-style: chr6-33273041-C-T.
Other names: c.593G>A, p.Gly198Asp (NM_001410875.1, NM_172208.3); c.332G>A, p.Gly111Asp (NM_172209.3); short protein forms G198D, G111D.
Identifiers: ClinVar variation 2830866 (VCV002830866.3), dbSNP rs1485031295, ClinGen allele CA363691817.
Genomic context (GRCh38, chr6:33,305,264, plus strand): 5'-AGGAGCAGATGTCCCTTACCCAGGTGCTGGCGTCGCCACTCTAGCCCAAAGGGAGGGGGA[C>T]CCGGAGCCAGAGATGAGGCGGCCTCGGAGGTGGGGGGCATGTAGGCAAAGCTCAAGTCCA-3'
Protein context (NP_003181.3, residues 188-208): TSEAASSLAP[Gly198Asp]PPPFGLEWRR